The following is an entry in ClinVar:

NM_001939.3(DRP2):c.2129C>G (p.Pro710Arg)

Gene: DRP2 (dystrophin related protein 2; plus strand). Cytogenetic location: Xq22.1.
Variant type: single nucleotide variant.
Coding change: c.2129C>G on transcript NM_001939.3 (MANE Select); coding-DNA position 2129, C replaced by G.
Protein change: p.Pro710Arg; replaces proline 710 with arginine.
Molecular consequence: missense variant.
Genome position (GRCh38, 1-based): chrX:101,254,873, C>G. VCF-style: chrX-101254873-C-G. GRCh37 (hg19) VCF-style: chrX-100509862-C-G.
Other names: c.1895C>G, p.Pro632Arg (NM_001171184.2); short protein forms P632R, P710R.
Identifiers: ClinVar variation 2999127 (VCV002999127.3), dbSNP rs370505047, ClinGen allele CA10472412.
Genomic context (GRCh38, chrX:101,254,873, plus strand): 5'-GGCTGCCCAGTCTTTGGTCCTCCGAGTCTTTGCTGCTTTCTTCTAGGCCGGCTTCTTCCC[C>G]GATGTGGCCACACGCCGACACACACTCCCGAATTGAGCATTTTGCCAGCAGGTACCACCA-3'
Protein context (NP_001930.2, residues 700-720): ADYSETPASS[Pro710Arg]MWPHADTHSR

ClinVar aggregate classification (germline): Uncertain significance (1 of 4 stars; one submission).

gnomAD v4.1: 8 of 1,210,175 alleles (0.00066%); highest among the groups gnomAD compares: Non-Finnish European, 0.00089%; no homozygotes.

Submission:

Labcorp Genetics (formerly Invitae), Labcorp
Classification: Uncertain significance. Last evaluated: 2024-08-11. Review status: criteria provided, single submitter. Criteria: Invitae Variant Classification Sherloc (09022015). Collection method: clinical testing. Allele origin: germline.
Comment: This sequence change replaces proline, which is neutral and non-polar, with arginine, which is basic and polar, at codon 710 of the DRP2 protein (p.Pro710Arg). This variant is present in population databases (rs370505047, gnomAD 0.002%). This variant has not been reported in the literature in individuals affected with DRP2-related conditions. Advanced modeling of protein sequence and biophysical properties (such as structural, functional, and spatial information, amino acid conservation, physicochemical variation, residue mobility, and thermodynamic stability) has been performed at Invitae for this missense variant, however the output from this modeling did not meet the statistical confidence thresholds required to predict the impact of this variant on DRP2 protein function. In summary, the available evidence is currently insufficient to determine the role of this variant in disease. Therefore, it has been classified as a Variant of Uncertain Significance.